The following is an entry in ClinVar:

ClinVar aggregate classification (germline): Benign. Review status: criteria provided, multiple submitters, no conflicts (2 of 4 stars). 13 submissions from 12 submitters: Benign (9). 4 of the submissions do not count toward it. Last evaluated 2026-02-04.

Conditions:
Renal coloboma syndrome (PAPRS). Also called: CONGENITAL ANOMALIES OF THE KIDNEY AND URINARY TRACT WITH OR WITHOUT OCULAR ABNORMALITIES; CAKUT WITH OR WITHOUT OCULAR ABNORMALITIES; OPTIC COLOBOMA, VESICOURETERAL REFLUX, AND RENAL ANOMALIES; OPTIC NERVE COLOBOMA WITH RENAL DISEASE; RENAL-COLOBOMA SYNDROME WITH MACULAR ABNORMALITIES; PAPILLORENAL SYNDROME WITH MILD OCULAR ABNORMALITIES. Identifiers: Orphanet 1475, MedGen C1852759, MONDO:0007352, OMIM 120330.
Focal segmental glomerulosclerosis 7 (FSGS7). Identifiers: Orphanet 656, MedGen C4014925, MONDO:0014451, OMIM 616002.

Allele frequency attached by ClinVar (database versions not stated): 1000 Genomes Project 0.37580; 1000 Genomes Project 30x 0.38476; gnomAD 0.39521 and 0.40586; TOPMed 0.41613; ESP Exome Variant Server 0.43972.
gnomAD v4.1: 479,157 of 1,612,774 alleles (30%); highest among the groups gnomAD compares: African/African-American, 75%; 81,623 homozygotes.

Submissions (13):

Labcorp Genetics (formerly Invitae), Labcorp
Classification: Benign for Renal coloboma syndrome; Focal segmental glomerulosclerosis 7. Last evaluated: 2026-02-04. Review status: criteria provided, single submitter. Criteria: Invitae Variant Classification Sherloc (09022015). Collection method: clinical testing. Allele origin: germline.

Blueprint Genetics
Classification: Benign. Last evaluated: 2024-11-27. Review status: criteria provided, single submitter. Criteria: ACMG Guidelines, 2015. Collection method: clinical testing. Allele origin: germline.

Unidad de Genómica Garrahan, Hospital de Pediatría Garrahan
Classification: Benign. Last evaluated: 2024-07-15. Review status: criteria provided, single submitter. Criteria: ACMG Guidelines, 2015. Collection method: clinical testing. Allele origin: germline. Affected: no. Observed: 36 variant alleles.
Comment: This variant is classified as Benign based on local population frequency. This variant was detected in 39% of patients studied in a panel designed for Epileptic and Developmental Encephalopathy and Progressive Myoclonus Epilepsy. Number of patients: 36. Only high quality variants are reported.

Mayo Clinic Laboratories, Mayo Clinic
Classification: Benign. Last evaluated: 2022-03-09. Review status: criteria provided, single submitter. Criteria: ACMG Guidelines, 2015. Collection method: clinical testing. Allele origin: germline. Observed: 296 variant alleles.

Genome-Nilou Lab
Classification: Benign for Focal segmental glomerulosclerosis 7. Last evaluated: 2021-09-05. Review status: criteria provided, single submitter. Criteria: ACMG Guidelines, 2015. Collection method: clinical testing. Allele origin: germline. Affected: no.

Genome-Nilou Lab
Classification: Benign for Renal coloboma syndrome. Last evaluated: 2021-09-05. Review status: criteria provided, single submitter. Criteria: ACMG Guidelines, 2015. Collection method: clinical testing. Allele origin: germline. Affected: no.

GeneDx
Classification: Benign. Last evaluated: 2015-03-03. Review status: criteria provided, single submitter. Criteria: GeneDx Variant Classification Process June 2021. Collection method: clinical testing. Allele origin: germline. Affected: yes.

Breakthrough Genomics
Classification: Benign. Review status: criteria provided, single submitter. Criteria: ACMG Guidelines, 2015. Collection method: not provided. Allele origin: germline. Inheritance: Autosomal dominant inheritance. Affected: yes.

PreventionGenetics, part of Exact Sciences
Classification: Benign. Review status: criteria provided, single submitter. Criteria: ACMG Guidelines, 2015. Collection method: clinical testing. Allele origin: germline.

ClinVar Staff, National Center for Biotechnology Information (NCBI)
No classification provided. Review status: no classification provided. Collection method: not provided. Allele origin: unknown. Not counted in ClinVar's aggregate classification.
Comment: Based on information supplied by Professor Michael Eccles, Head of the Developmental Genetics, Dunedin School of Medicine, New Zealand.

Diagnostic Laboratory, Department of Genetics, University Medical Center Groningen
Classification: Benign for Renal coloboma syndrome. Review status: no assertion criteria provided. Collection method: clinical testing. Allele origin: germline. Affected: yes. Study: VKGL Data-share Consensus. Not counted in ClinVar's aggregate classification.

Genome Diagnostics Laboratory, University Medical Center Utrecht
Classification: Benign. Review status: no assertion criteria provided. Collection method: clinical testing. Allele origin: germline. Affected: yes. Study: VKGL Data-share Consensus. Not counted in ClinVar's aggregate classification.

Joint Genome Diagnostic Labs from Nijmegen and Maastricht, Radboudumc and MUMC+
Classification: Benign. Review status: no assertion criteria provided. Collection method: clinical testing. Allele origin: germline. Affected: yes. Study: VKGL Data-share Consensus. Not counted in ClinVar's aggregate classification.

NM_000278.5(PAX2):c.909A>C (p.Pro303=)

Gene: PAX2 (paired box 2; plus strand). Cytogenetic location: 10q24.31.
Variant type: single nucleotide variant.
Coding change: c.909A>C on transcript NM_000278.5 (MANE Select); coding-DNA position 909, A replaced by C.
Protein change: p.Pro303=; no amino-acid change (proline 303 retained).
Molecular consequence: synonymous variant.
Genome position (GRCh38, 1-based): chr10:100,809,226, A>C. VCF-style: chr10-100809226-A-C. GRCh37 (hg19) VCF-style: chr10-102568983-A-C.
Other names: p.Pro303=; c.1002A>C, p.Pro334= (NM_001304569.2); c.978A>C, p.Pro326= (NM_003987.5, NM_003990.5); c.909A>C, p.Pro303= (NM_003988.5, NM_003989.5).
Identifiers: ClinVar variation 156300 (VCV000156300.21), dbSNP rs1800898, ClinGen allele CA233179.
Genomic context (GRCh38, chr10:100,809,226, plus strand): 5'-TCTATCTGCATCCACCAACCCTGAGCTGGGCAGCAACGTGTCAGGCACACAGACATACCC[A>C]GTTGTGACTGGTAAGGGGGCTTCCAGGAGGGTGGGGGCACTGCGTTCAGTGGAGGGTGCC-3'
Protein context (NP_000269.3, residues 293-313): GSNVSGTQTY[Pro303=]VVTGRDMAST